The following is an entry in ClinVar:

NM_001372574.1(ATXN2):c.1526C>T (p.Ser509Leu)

Gene: ATXN2 (ataxin 2; minus strand). Cytogenetic location: 12q24.12.
Variant type: single nucleotide variant.
Coding change: c.1526C>T on transcript NM_001372574.1 (MANE Select); coding-DNA position 1526, C replaced by T.
Protein change: p.Ser509Leu; replaces serine 509 with leucine.
Molecular consequence: missense variant. On other transcripts: non-coding transcript variant (1).
Genome position (GRCh38, 1-based): chr12:111,513,389, G>A on the plus strand (C>T on the coding strand, the complement: ATXN2 is on the minus strand). VCF-style: chr12-111513389-G-A. GRCh37 (hg19) VCF-style: chr12-111951193-G-A.
Other names: c.1211C>T, p.Ser404Leu (NM_001310121.1); c.1139C>T, p.Ser380Leu (NM_001310123.1); c.1526C>T, p.Ser509Leu (NM_002973.4); short protein forms S380L, S404L, S509L.
Identifiers: ClinVar variation 1679808 (VCV001679808.3), dbSNP rs774827848, ClinGen allele CA6790647.

ClinVar aggregate classification (germline): Likely pathogenic, low penetrance (0 of 4 stars; one submission).

Conditions:
Tip-toe gait. Also called: Toe walking. Identifiers: MedGen C0427144, HP:0030051.

Allele frequency attached by ClinVar (database versions not stated): TOPMed below 0.00001; ExAC 0.00002; gnomAD exomes 0.00003 and 0.00001; gnomAD 0.00001.
gnomAD v4.1: 12 of 1,613,542 alleles (0.00074%); highest among the groups gnomAD compares: Admixed American, 0.0083%; no homozygotes.

Submission:

Practice for Gait Abnormalities, David Pomarino, Competency Network Toe Walking C/o Practice Pomarino
Classification: Likely pathogenic, low penetrance for Tip-toe gait. Review status: no assertion criteria provided. Collection method: clinical testing. Allele origin: germline. Affected: yes.
Comment: Gait disorder

Literature cited by the submitters: PubMed 37091313.